The following is an entry in ClinVar:

ClinVar aggregate classification (germline): Uncertain significance (1 of 4 stars; one submission).

Conditions:
Primary ciliary dyskinesia. Also called: Ciliary dyskinesia. Identifiers: Orphanet 244, MedGen C0008780, MONDO:0016575, HP:0012265.

Submission:

Labcorp Genetics (formerly Invitae), Labcorp
Classification: Uncertain significance for Primary ciliary dyskinesia. Last evaluated: 2025-02-19. Review status: criteria provided, single submitter. Criteria: Invitae Variant Classification Sherloc (09022015). Collection method: clinical testing. Allele origin: germline.
Comment: This sequence change replaces glutamic acid, which is acidic and polar, with glycine, which is neutral and non-polar, at codon 661 of the RPGR (ORF15) protein (p.Glu661Gly). This variant is present in population databases (rs374039361, gnomAD 0.008%). This variant has not been reported in the literature in individuals affected with RPGR (ORF15)-related conditions. Invitae Evidence Modeling of protein sequence and biophysical properties (such as structural, functional, and spatial information, amino acid conservation, physicochemical variation, residue mobility, and thermodynamic stability) indicates that this missense variant is not expected to disrupt RPGR (ORF15) protein function with a negative predictive value of 95%. In summary, the available evidence is currently insufficient to determine the role of this variant in disease. Therefore, it has been classified as a Variant of Uncertain Significance.

NM_001034853.2(RPGR):c.1982A>G (p.Glu661Gly)

Gene: RPGR (retinitis pigmentosa GTPase regulator; minus strand). Cytogenetic location: Xp11.4.
Variant type: single nucleotide variant.
Coding change: c.1982A>G on transcript NM_001034853.2 (MANE Select); coding-DNA position 1982, A replaced by G.
Protein change: p.Glu661Gly; replaces glutamic acid 661 with glycine.
Molecular consequence: missense variant. On other transcripts: intron variant (8).
Genome position (GRCh38, 1-based): chrX:38,287,017, T>C on the plus strand (A>G on the coding strand, the complement: RPGR is on the minus strand). VCF-style: chrX-38287017-T-C. GRCh37 (hg19) VCF-style: chrX-38146270-T-C.
Other names: c.1569+3942A>G (NM_001367249.1, NM_001367250.1); c.1902+77A>G (NM_001367245.1); c.1386+3942A>G (NM_001367251.1); c.1719+77A>G (NM_001367246.1); c.1572+3942A>G (NM_001367247.1); c.1905+77A>G (NM_000328.3); c.1602+3942A>G (NM_001367248.1); short protein forms E661G.
Identifiers: ClinVar variation 4764975 (VCV004764975.1).